The following is an entry in ClinVar:

ClinVar aggregate classification (germline): Uncertain significance. Review status: criteria provided, multiple submitters, no conflicts (2 of 4 stars). 2 submissions from 2 submitters: Uncertain significance (2). Last evaluated 2025-05-21.

Conditions:
Short-rib thoracic dysplasia 6 with or without polydactyly (SRTD6). Also called: POLYDACTYLY WITH NEONATAL CHONDRODYSTROPHY, TYPE II; SHORT-RIB THORACIC DYSPLASIA 6 WITH POLYDACTYLY; Majewski Syndrome; SHORT-RIB THORACIC DYSPLASIA 6 WITHOUT POLYDACTYLY; SHORT RIB-POLYDACTYLY SYNDROME, TYPE IIA. Identifiers: MedGen C0024507, MONDO:0009894, OMIM 263520.
NEK1-related disorder. Also called: NEK1-related condition.

Allele frequency attached by ClinVar (database versions not stated): gnomAD exomes 0.00001; TOPMed 0.00001; ExAC 0.00002.
gnomAD v4.1: 5 of 1,610,004 alleles (0.00031%); highest among the groups gnomAD compares: South Asian, 0.0034%; no homozygotes.

Submissions (2):

Labcorp Genetics (formerly Invitae), Labcorp
Classification: Uncertain significance for Short-rib thoracic dysplasia 6 with or without polydactyly. Last evaluated: 2025-05-21. Review status: criteria provided, single submitter. Criteria: Invitae Variant Classification Sherloc (09022015). Collection method: clinical testing. Allele origin: germline.
Comment: This sequence change replaces aspartic acid, which is acidic and polar, with glycine, which is neutral and non-polar, at codon 651 of the NEK1 protein (p.Asp651Gly). This variant is present in population databases (rs768424209, gnomAD 0.003%). This variant has not been reported in the literature in individuals affected with NEK1-related conditions. ClinVar contains an entry for this variant (Variation ID: 2634602). Invitae Evidence Modeling of protein sequence and biophysical properties (such as structural, functional, and spatial information, amino acid conservation, physicochemical variation, residue mobility, and thermodynamic stability) indicates that this missense variant is not expected to disrupt NEK1 protein function with a negative predictive value of 80%. In summary, the available evidence is currently insufficient to determine the role of this variant in disease. Therefore, it has been classified as a Variant of Uncertain Significance.

PreventionGenetics, part of Exact Sciences
Classification: Uncertain significance for NEK1-related condition. Last evaluated: 2023-05-24. Review status: criteria provided, single submitter. Criteria: ACMG Guidelines, 2015. Collection method: clinical testing. Allele origin: germline.
Comment: The NEK1 c.1952A>G variant is predicted to result in the amino acid substitution p.Asp651Gly. To our knowledge, this variant has not been reported in the literature. This variant is reported in 0.0033% of alleles in individuals of South Asian descent in gnomAD. At this time, the clinical significance of this variant is uncertain due to the absence of conclusive functional and genetic evidence.

NM_001199397.3(NEK1):c.2036A>G (p.Asp679Gly)

Gene: NEK1 (NIMA related kinase 1; minus strand). Cytogenetic location: 4q33.
Variant type: single nucleotide variant.
Coding change: c.2036A>G on transcript NM_001199397.3 (MANE Select); coding-DNA position 2036, A replaced by G.
Protein change: p.Asp679Gly; replaces aspartic acid 679 with glycine.
Molecular consequence: missense variant. On other transcripts: non-coding transcript variant (1).
Genome position (GRCh38, 1-based): chr4:169,479,506, T>C on the plus strand (A>G on the coding strand, the complement: NEK1 is on the minus strand). VCF-style: chr4-169479506-T-C. GRCh37 (hg19) VCF-style: chr4-170400657-T-C.
Other names: c.1904A>G, p.Asp635Gly (NM_001199398.3); c.1745A>G, p.Asp582Gly (NM_001199399.3); c.1820A>G, p.Asp607Gly (NM_001199400.3); c.2036A>G, p.Asp679Gly (NM_001374418.1); c.1952A>G, p.Asp651Gly (NM_001374419.1, NM_012224.4); c.1901A>G, p.Asp634Gly (NM_001374420.1); c.1730A>G, p.Asp577Gly (NM_001374421.1); short protein forms D577G, D582G, D607G, D634G, D635G, D651G, D679G.
Identifiers: ClinVar variation 2634602 (VCV002634602.2), dbSNP rs768424209, ClinGen allele CA3137532.